The following is an entry in ClinVar:

ClinVar aggregate classification (germline): Uncertain significance. Review status: criteria provided, multiple submitters, no conflicts (2 of 4 stars). 2 submissions from 2 submitters: Uncertain significance (2). Last evaluated 2025-05-25.

Allele frequency attached by ClinVar (database versions not stated): ExAC 0.00002; TOPMed 0.00004; gnomAD 0.00006.
gnomAD v4.1: 215 of 1,613,750 alleles (0.013%); highest among the groups gnomAD compares: Non-Finnish European, 0.018%; no homozygotes.

Submissions (2):

Labcorp Genetics (formerly Invitae), Labcorp
Classification: Uncertain significance. Last evaluated: 2025-05-25. Review status: criteria provided, single submitter. Criteria: Invitae Variant Classification Sherloc (09022015). Collection method: clinical testing. Allele origin: germline.
Comment: This sequence change replaces proline, which is neutral and non-polar, with histidine, which is basic and polar, at codon 359 of the KANK2 protein (p.Pro359His). This variant is present in population databases (rs781350531, gnomAD 0.009%). This variant has not been reported in the literature in individuals affected with KANK2-related conditions. ClinVar contains an entry for this variant (Variation ID: 1926330). An algorithm developed to predict the effect of missense changes on protein structure and function (PolyPhen-2) suggests that this variant is likely to be disruptive. In summary, the available evidence is currently insufficient to determine the role of this variant in disease. Therefore, it has been classified as a Variant of Uncertain Significance.

Ambry Genetics
Classification: Uncertain significance. Last evaluated: 2025-05-22. Review status: criteria provided, single submitter. Criteria: Ambry Variant Classification Scheme 2023. Collection method: clinical testing. Allele origin: germline.

NM_001136191.3(KANK2):c.1076C>A (p.Pro359His)

Gene: KANK2 (KN motif and ankyrin repeat domains 2; minus strand). Cytogenetic location: 19p13.2.
Variant type: single nucleotide variant.
Coding change: c.1076C>A on transcript NM_001136191.3 (MANE Select); coding-DNA position 1076, C replaced by A.
Protein change: p.Pro359His; replaces proline 359 with histidine.
Molecular consequence: missense variant.
Genome position (GRCh38, 1-based): chr19:11,193,004, G>T on the plus strand (C>A on the coding strand, the complement: KANK2 is on the minus strand). VCF-style: chr19-11193004-G-T. GRCh37 (hg19) VCF-style: chr19-11303680-G-T.
Other names: c.1076C>A, p.Pro359His (NM_001329451.2, NM_001379548.1, NM_001379549.1 and 15 more transcripts); short protein forms P359H.
Identifiers: ClinVar variation 1926330 (VCV001926330.8), dbSNP rs781350531, ClinGen allele CA9205903.